The following is an entry in ClinVar:

NM_144596.4(TTC8):c.579+40A>G

Gene: TTC8 (tetratricopeptide repeat domain 8; plus strand). Cytogenetic location: 14q31.3.
Variant type: single nucleotide variant.
Coding change: c.579+40A>G on transcript NM_144596.4 (MANE Select); 40 bases into the intron after coding-DNA position 579, A replaced by G.
Molecular consequence: intron variant. On other transcripts: synonymous variant (1).
Genome position (GRCh38, 1-based): chr14:88,841,554, A>G. VCF-style: chr14-88841554-A-G. GRCh37 (hg19) VCF-style: chr14-89307898-A-G.
Other names: c.27A>G, p.Leu9= (NM_001288782.1); c.549+40A>G (NM_001288781.1, NM_198309.3, NM_001366535.2); c.-199+358A>G (NM_001288783.1); c.459+358A>G (NM_198310.3, NM_001366536.2).
Identifiers: ClinVar variation 4997009 (VCV004997009.1).

ClinVar aggregate classification (germline): Likely benign (1 of 4 stars; one submission).

Conditions:
TTC8-related disorder. Also called: TTC8-related condition.

Submission:

PreventionGenetics, part of Exact Sciences
Classification: Likely benign for TTC8-related condition. Last evaluated: 2024-10-25. Review status: criteria provided, single submitter. Criteria: ACMG Guidelines, 2015. Collection method: clinical testing. Allele origin: germline.
Comment: This variant is classified as likely benign based on ACMG/AMP sequence variant interpretation guidelines (Richards et al. 2015 PMID: 25741868, with internal and published modifications).